The following is an entry in ClinVar:

ClinVar aggregate classification (germline): Uncertain significance (1 of 4 stars; one submission).

Conditions:
Spermatogenic failure 18. Identifiers: MedGen C4539783, MONDO:0054615, OMIM 617576.
Ciliary dyskinesia, primary, 37 (CILD37). Also called: CILIARY DYSKINESIA, PRIMARY, 37, WITH OR WITHOUT SITUS INVERSUS. Identifiers: MedGen C4539798, MONDO:0033204, OMIM 617577.

Allele frequency attached by ClinVar (database versions not stated): gnomAD exomes 0.00002; TOPMed 0.00002; ExAC 0.00003.

Submission:

Labcorp Genetics (formerly Invitae), Labcorp
Classification: Uncertain significance for Ciliary dyskinesia, primary, 37; Spermatogenic failure 18. Last evaluated: 2021-08-20. Review status: criteria provided, single submitter. Criteria: Invitae Variant Classification Sherloc (09022015). Collection method: clinical testing. Allele origin: germline.
Comment: This sequence change replaces arginine with histidine at codon 570 of the DNAH1 protein (p.Arg570His). The arginine residue is moderately conserved and there is a small physicochemical difference between arginine and histidine. This variant is present in population databases (rs771126013, ExAC 0.005%). This variant has not been reported in the literature in individuals affected with DNAH1-related conditions. Algorithms developed to predict the effect of missense changes on protein structure and function are either unavailable or do not agree on the potential impact of this missense change (SIFT: "Deleterious"; PolyPhen-2: "Benign"; Align-GVGD: "Class C0"). In summary, the available evidence is currently insufficient to determine the role of this variant in disease. Therefore, it has been classified as a Variant of Uncertain Significance.

NM_015512.5(DNAH1):c.1709G>A (p.Arg570His)

Gene: DNAH1 (dynein axonemal heavy chain 1; plus strand). Cytogenetic location: 3p21.1.
Variant type: single nucleotide variant.
Coding change: c.1709G>A on transcript NM_015512.5 (MANE Select); coding-DNA position 1709, G replaced by A.
Protein change: p.Arg570His; replaces arginine 570 with histidine.
Molecular consequence: missense variant.
Genome position (GRCh38, 1-based): chr3:52,346,524, G>A. VCF-style: chr3-52346524-G-A. GRCh37 (hg19) VCF-style: chr3-52380540-G-A.
Other names: short protein forms R570H.
Identifiers: ClinVar variation 654454 (VCV000654454.3), dbSNP rs771126013, ClinGen allele CA2433035.